The following is an entry in ClinVar:

ClinVar aggregate classification (germline): Uncertain significance. Review status: criteria provided, multiple submitters, no conflicts (2 of 4 stars). 2 submissions from 2 submitters: Uncertain significance (2). Last evaluated 2022-03-26.

Conditions:
Hereditary cancer-predisposing syndrome. Also called: Hereditary neoplastic syndrome; Neoplastic Syndromes, Hereditary; Tumor predisposition; Hereditary Cancer Syndrome. Identifiers: Orphanet 140162, MedGen C0027672, MeSH D009386, MONDO:0015356.
Colorectal cancer, susceptibility to, 12 (CRCS12). Also called: COLORECTAL CANCER, SUSCEPTIBILITY TO, ON CHROMOSOME 12q24. Identifiers: Orphanet 220460, MedGen C3554460, MONDO:0014038, OMIM 615083.

Submissions (2):

Ambry Genetics
Classification: Uncertain significance for Hereditary cancer-predisposing syndrome. Last evaluated: 2022-03-26. Review status: criteria provided, single submitter. Criteria: Ambry Variant Classification Scheme 2023. Collection method: clinical testing. Allele origin: germline.
Comment: The p.S1908T variant (also known as c.5722T>A), located in coding exon 42 of the POLE gene, results from a T to A substitution at nucleotide position 5722. The serine at codon 1908 is replaced by threonine, an amino acid with similar properties. This amino acid position is conserved. In addition, the in silico prediction for this alteration is inconclusive. Since supporting evidence is limited at this time, the clinical significance of this alteration remains unclear.

Labcorp Genetics (formerly Invitae), Labcorp
Classification: Uncertain significance for Colorectal cancer, susceptibility to, 12. Last evaluated: 2021-08-24. Review status: criteria provided, single submitter. Criteria: Invitae Variant Classification Sherloc (09022015). Collection method: clinical testing. Allele origin: germline.
Comment: This sequence change replaces serine with threonine at codon 1908 of the POLE protein (p.Ser1908Thr). The serine residue is moderately conserved and there is a small physicochemical difference between serine and threonine. This variant is not present in population databases (ExAC no frequency). This variant has not been reported in the literature in individuals affected with POLE-related conditions. Algorithms developed to predict the effect of missense changes on protein structure and function (SIFT, PolyPhen-2, Align-GVGD) all suggest that this variant is likely to be tolerated. In summary, the available evidence is currently insufficient to determine the role of this variant in disease. Therefore, it has been classified as a Variant of Uncertain Significance.

NM_006231.4(POLE):c.5722T>A (p.Ser1908Thr)

Gene: POLE (DNA polymerase epsilon, catalytic subunit; minus strand). Cytogenetic location: 12q24.33.
Variant type: single nucleotide variant.
Coding change: c.5722T>A on transcript NM_006231.4 (MANE Select); coding-DNA position 5722, T replaced by A.
Protein change: p.Ser1908Thr; replaces serine 1908 with threonine.
Molecular consequence: missense variant.
Genome position (GRCh38, 1-based): chr12:132,635,981, A>T on the plus strand (T>A on the coding strand, the complement: POLE is on the minus strand). VCF-style: chr12-132635981-A-T. GRCh37 (hg19) VCF-style: chr12-133212567-A-T.
Other names: short protein forms S1908T.
Identifiers: ClinVar variation 835958 (VCV000835958.9), dbSNP rs2042024407, ClinGen allele CA387373149.
Genomic context (GRCh38, chr12:132,635,981, plus strand): 5'-TTCCTTTGATTCCGCCATAGTTAGATGGATCCATCCAGAGAAGAAATTCCCAGCATCGAG[A>T]GAAAGAAATTGTCAGAGAATGGAAGGTCTCCTTTGAATGGATGCTGCAGAGGAAGCATTG-3'
Protein context (NP_006222.2, residues 1898-1918): ETFHSLTISF[Ser1908Thr]RCWEFLLWMD